The following is an entry in ClinVar:

NM_005076.5(CNTN2):c.1963C>G (p.Gln655Glu)

Gene: CNTN2 (contactin 2; plus strand). Cytogenetic location: 1q32.1.
Variant type: single nucleotide variant.
Coding change: c.1963C>G on transcript NM_005076.5 (MANE Select); coding-DNA position 1963, C replaced by G.
Protein change: p.Gln655Glu; replaces glutamine 655 with glutamic acid.
Molecular consequence: missense variant. On other transcripts: non-coding transcript variant (1).
Genome position (GRCh38, 1-based): chr1:205,066,587, C>G. VCF-style: chr1-205066587-C-G. GRCh37 (hg19) VCF-style: chr1-205035715-C-G.
Other names: c.1963C>G, p.Gln655Glu (NM_001346083.2); short protein forms Q655E.
Identifiers: ClinVar variation 572212 (VCV000572212.8), dbSNP rs1262628184, ClinGen allele CA344376538.

ClinVar aggregate classification (germline): Uncertain significance (1 of 4 stars; one submission).

Conditions:
Epilepsy, familial adult myoclonic, 5 (EPEO5). Also called: CORTICAL MYOCLONIC TREMOR WITH EPILEPSY, FAMILIAL, 5. Identifiers: Orphanet 86814, MedGen C3809374, MONDO:0014167, OMIM 615400.

Allele frequency attached by ClinVar (database versions not stated): gnomAD exomes below 0.00001.
gnomAD v4.1: 1 of 1,613,896 alleles (0.000062%); highest among the groups gnomAD compares: Non-Finnish European, 0.000085%; no homozygotes.

Submission:

Labcorp Genetics (formerly Invitae), Labcorp
Classification: Uncertain significance for Epilepsy, familial adult myoclonic, 5. Last evaluated: 2023-10-18. Review status: criteria provided, single submitter. Criteria: Invitae Variant Classification Sherloc (09022015). Collection method: clinical testing. Allele origin: germline.
Comment: This sequence change replaces glutamine, which is neutral and polar, with glutamic acid, which is acidic and polar, at codon 655 of the CNTN2 protein (p.Gln655Glu). This variant is present in population databases (no rsID available, gnomAD 0.0009%). This variant has not been reported in the literature in individuals affected with CNTN2-related conditions. ClinVar contains an entry for this variant (Variation ID: 572212). Advanced modeling of protein sequence and biophysical properties (such as structural, functional, and spatial information, amino acid conservation, physicochemical variation, residue mobility, and thermodynamic stability) performed at Invitae indicates that this missense variant is not expected to disrupt CNTN2 protein function. In summary, the available evidence is currently insufficient to determine the role of this variant in disease. Therefore, it has been classified as a Variant of Uncertain Significance.